The following is an entry in ClinVar:

NM_000036.3(AMPD1):c.2036T>C (p.Met679Thr)

Gene: AMPD1 (adenosine monophosphate deaminase 1; minus strand). Cytogenetic location: 1p13.2.
Variant type: single nucleotide variant.
Coding change: c.2036T>C on transcript NM_000036.3 (MANE Select); coding-DNA position 2036, T replaced by C.
Protein change: p.Met679Thr; replaces methionine 679 with threonine.
Molecular consequence: missense variant.
Genome position (GRCh38, 1-based): chr1:114,673,688, A>G on the plus strand (T>C on the coding strand, the complement: AMPD1 is on the minus strand). VCF-style: chr1-114673688-A-G. GRCh37 (hg19) VCF-style: chr1-115216309-A-G.
Other names: c.2024T>C, p.Met675Thr (NM_001172626.2); short protein forms M675T, M679T.
Identifiers: ClinVar variation 2202831 (VCV002202831.2), dbSNP rs558444201, ClinGen allele CA1019945.
Genomic context (GRCh38, chr1:114,673,688, plus strand): 5'-GACAGGTCTACCTCATGAGAAATTCCACACTGCAAGACACTGTTCCTTGCCACTTCGCAC[A>G]TATCACAGGTGCTCAGCTTGAAGACTTGTGCAGCAATAGCATATTCTTCCATTAGGGGCT-3'
Protein context (NP_000027.3, residues 669-689): AQVFKLSTCD[Met679Thr]CEVARNSVLQ

ClinVar aggregate classification (germline): Uncertain significance (1 of 4 stars; one submission).

Conditions:
Muscle AMP deaminase deficiency (MMDD). Also called: Myoadenylate deaminase deficiency, myopathy due to; Adenosine monophosphate deaminase 1 deficiency; AMP deaminase 1 deficiency; Adenosine Monophosphate Deaminase 1; AMPD1 DEFICIENCY; ADENOSINE MONOPHOSPHATE DEAMINASE-1 DEFICIENCY, MYOPATHY DUE TO. Identifiers: Orphanet 45, MedGen C3714933, MONDO:0014220, OMIM 615511.

Allele frequency attached by ClinVar (database versions not stated): ExAC 0.00001; TOPMed 0.00001; gnomAD 0.00002; 1000 Genomes Project 30x 0.00016; 1000 Genomes Project 0.00020.
gnomAD v4.1: 3 of 1,614,194 alleles (0.00019%); highest among the groups gnomAD compares: African/African-American, 0.0027%; no homozygotes.

Submission:

Labcorp Genetics (formerly Invitae), Labcorp
Classification: Uncertain significance for Muscle AMP deaminase deficiency. Last evaluated: 2022-02-04. Review status: criteria provided, single submitter. Criteria: Invitae Variant Classification Sherloc (09022015). Collection method: clinical testing. Allele origin: germline.
Comment: In summary, the available evidence is currently insufficient to determine the role of this variant in disease. Therefore, it has been classified as a Variant of Uncertain Significance. Algorithms developed to predict the effect of missense changes on protein structure and function (SIFT, PolyPhen-2, Align-GVGD) all suggest that this variant is likely to be disruptive. This variant has not been reported in the literature in individuals affected with AMPD1-related conditions. This variant is present in population databases (rs558444201, gnomAD 0.008%). This sequence change replaces methionine, which is neutral and non-polar, with threonine, which is neutral and polar, at codon 712 of the AMPD1 protein (p.Met712Thr).